The following is an entry in ClinVar:

ClinVar aggregate classification (germline): Likely pathogenic (1 of 4 stars; one submission).

Conditions:
Dilated cardiomyopathy 1G (CMD1G). Identifiers: Orphanet 154, MedGen C1858763, MONDO:0011400, OMIM 604145.
Autosomal recessive limb-girdle muscular dystrophy type 2J (LGMDR10). Also called: Limb-girdle muscular dystrophy, type 2J; MUSCULAR DYSTROPHY, LIMB-GIRDLE, AUTOSOMAL RECESSIVE 10. Identifiers: Orphanet 140922, MedGen C1837342, MONDO:0012127, OMIM 608807.

Submission:

Labcorp Genetics (formerly Invitae), Labcorp
Classification: Likely pathogenic for Dilated cardiomyopathy 1G; Autosomal recessive limb-girdle muscular dystrophy type 2J. Last evaluated: 2018-11-29. Review status: criteria provided, single submitter. Criteria: Invitae Variant Classification Sherloc (09022015). Collection method: clinical testing. Allele origin: germline.
Comment: This sequence change results in a premature translational stop signal in the TTN gene (p.Arg28008Serfs*15). While this is not anticipated to result in nonsense mediated decay, it is expected to create a truncated TTN protein. In summary, the currently available evidence indicates that the variant is pathogenic, but additional data are needed to prove that conclusively. Therefore, this variant has been classified as Likely Pathogenic. This variant is located in the A band of TTN (PMID: 25589632). Truncating variants in this region are significantly overrepresented in patients affected with dilated cardiomyopathy (PMID: 25589632). Truncating variants in this region have also been reported in individuals affected with autosomal recessive centronuclear myopathy (PMID: 23975875). This variant has not been reported in the literature in individuals with TTN-related conditions. This variant is not present in population databases (ExAC no frequency).

Literature cited by the submitters: PubMed 25589632; PubMed 23975875.

NM_001267550.2(TTN):c.84024_84025del (p.Arg28008fs)

Genes: TTN (titin; minus strand), TTN-AS1 (TTN antisense RNA 1; plus strand). Cytogenetic location: 2q31.2.
Variant type: Microsatellite.
Coding change: c.84024_84025del on transcript NM_001267550.2 (MANE Select); coding-DNA positions 84024 to 84025, 2 bases deleted (AG; older notation c.84024_84025delAG).
Protein change: p.Arg28008fs; shifts the reading frame from arginine 28008.
Molecular consequence: frameshift variant.
Genome position (GRCh38, 1-based): chr2:178,562,107-178,562,108, CT deleted on the plus strand (AG on the coding strand, the reverse complement: TTN is on the minus strand); deleting any 2 consecutive bases within chr2:178,562,107-178,562,110 gives the same sequence; the c. name uses the placement nearest the transcript's 3' end. VCF-style (leftmost placement, unchanged base first): chr2-178562106-ACT-A. GRCh37 (hg19) VCF-style: chr2-179426833-ACT-A.
Other names: c.84024_84025delAG (NM_001267550.2); c.56829_56830del, p.Arg18943fs (NM_003319.4); c.76320_76321del, p.Arg25440fs (NM_133378.4); c.57204_57205del, p.Arg19068fs (NM_133432.3); c.57405_57406del, p.Arg19135fs (NM_133437.4); c.79101_79102del, p.Arg26367fs (NM_001256850.1); short protein forms R19135fs, R18943fs, R19068fs, R25440fs, R26367fs, R28008fs.
Identifiers: ClinVar variation 657226 (VCV000657226.9), dbSNP rs1575630957, ClinGen allele CA915942226.
Genomic context (GRCh38, chr2:178,562,106, plus strand): 5'-TCTTCCTTTGAAGCTTCCTTAATAGATAGTGATGTTACAGTCTTTGAAGAAGAAACATTG[ACT>A]CTAGTTGTCTCTTTAAGAGTCTGACCATCTTTTCTCCAGTTCACAGTAGCTTGAGGTCTT-3'